The following is an entry in ClinVar:

NM_000268.4(NF2):c.885+1G>A

Gene: NF2 (NF2, moesin-ezrin-radixin like (MERLIN) tumor suppressor; plus strand). Cytogenetic location: 22q12.2.
Variant type: single nucleotide variant.
Coding change: c.885+1G>A on transcript NM_000268.4 (MANE Select); the canonical splice donor site of the intron after coding-DNA position 885, G replaced by A.
Molecular consequence: splice donor variant. On other transcripts: intron variant (1).
Genome position (GRCh38, 1-based): chr22:29,665,065, G>A. VCF-style: chr22-29665065-G-A. GRCh37 (hg19) VCF-style: chr22-30061054-G-A.
Other names: c.885+1G>A (NM_016418.5, NM_181832.3, NM_001407060.1 and 2 more transcripts); c.771+1G>A (NM_001407056.1, NM_001407053.1); c.654+1G>A (NM_001407067.1); c.351+1G>A (NM_001407065.1); c.750+1G>A (NM_001407059.1, NM_001407057.1); c.447+22780G>A (NM_181833.3); c.762+1G>A (NM_001407058.1, NM_181829.3, NM_001407054.1); c.627+1G>A (NM_001407062.1); and 2 more.
Identifiers: ClinVar variation 930282 (VCV000930282.3), dbSNP rs2066581489, ClinGen allele CA411144853.

ClinVar aggregate classification (germline): Pathogenic (1 of 4 stars; one submission).

Conditions:
Familial meningioma. Also called: Meningioma, familial, susceptibility to. Identifiers: Orphanet 263662, MedGen C3551915, MONDO:0011789, OMIM 607174.

Submission:

Centre for Mendelian Genomics, University Medical Centre Ljubljana
Classification: Pathogenic for Familial meningioma. Last evaluated: 2020-02-07. Review status: criteria provided, single submitter. Criteria: ACMG Guidelines, 2015. Collection method: clinical testing. Allele origin: unknown. Affected: yes.
Comment: This variant was classified as: Pathogenic. The following ACMG criteria were applied in classifying this variant: PVS1,PM2,PS4_SUP.